The following is an entry in ClinVar:

ClinVar aggregate classification (germline): Uncertain significance (1 of 4 stars; one submission).

gnomAD v4.1: 1 of 1,613,364 alleles (0.000062%); highest among the groups gnomAD compares: Non-Finnish European, 0.000085%; no homozygotes.

Submission:

CeGaT Center for Human Genetics Tuebingen
Classification: Uncertain significance. Last evaluated: 2022-12-01. Review status: criteria provided, single submitter. Criteria: CeGaT Center For Human Genetics Tuebingen Variant Classification Criteria Version 2. Collection method: clinical testing. Allele origin: germline. Affected: yes. Observed: 1 variant allele.
Comment: COL11A1: PM2

NM_001854.4(COL11A1):c.3254C>A (p.Pro1085Gln)

Gene: COL11A1 (collagen type XI alpha 1 chain; minus strand). Cytogenetic location: 1p21.1.
Variant type: single nucleotide variant.
Coding change: c.3254C>A on transcript NM_001854.4 (MANE Select); coding-DNA position 3254, C replaced by A.
Protein change: p.Pro1085Gln; replaces proline 1085 with glutamine.
Molecular consequence: missense variant. On other transcripts: non-coding transcript variant (1).
Genome position (GRCh38, 1-based): chr1:102,946,871, G>T on the plus strand (C>A on the coding strand, the complement: COL11A1 is on the minus strand). VCF-style: chr1-102946871-G-T. GRCh37 (hg19) VCF-style: chr1-103412427-G-T.
Other names: c.2906C>A, p.Pro969Gln (NM_001168249.1, NM_080630.4); c.3137C>A, p.Pro1046Gln (NM_001190709.2); c.3290C>A, p.Pro1097Gln (NM_080629.3); short protein forms P1046Q, P1085Q, P1097Q, P969Q.
Identifiers: ClinVar variation 2638946 (VCV002638946.24), dbSNP rs2524791109, ClinGen allele CA341170946.